The following is an entry in ClinVar:

NM_025074.7(FRAS1):c.3058C>T (p.Arg1020Cys)

Gene: FRAS1 (Fraser extracellular matrix complex subunit 1; plus strand). Cytogenetic location: 4q21.21.
Variant type: single nucleotide variant.
Coding change: c.3058C>T on transcript NM_025074.7 (MANE Select); coding-DNA position 3058, C replaced by T.
Protein change: p.Arg1020Cys; replaces arginine 1020 with cysteine.
Molecular consequence: missense variant.
Genome position (GRCh38, 1-based): chr4:78,374,158, C>T. VCF-style: chr4-78374158-C-T. GRCh37 (hg19) VCF-style: chr4-79295312-C-T.
Other names: c.3058C>T, p.Arg1020Cys (NM_001166133.2); short protein forms R1020C.
Identifiers: ClinVar variation 290048 (VCV000290048.25), dbSNP rs200292361, ClinGen allele CA2976813.
Genomic context (GRCh38, chr4:78,374,158, plus strand): 5'-TTTTGTCTTTCAGACTGTGACAGCTACTGTCTCCAGTGCCAAGGTCCCCATGAGTGTACC[C>T]GCTGCAAAGGGCCATTTCTCCTCTTGGAAGCCCAGTGTGTCCAGGAATGTGGGAAGGGGT-3'
Protein context (NP_079350.5, residues 1010-1030): LQCQGPHECT[Arg1020Cys]CKGPFLLLEA

ClinVar aggregate classification (germline): Conflicting classifications of pathogenicity. Review status: criteria provided, conflicting classifications (1 of 4 stars). 7 submissions from 7 submitters: Uncertain significance (6); Likely benign (1). Last evaluated 2025-02-04.

Conditions:
Fraser syndrome 1 (FRASRS1). Also called: CRYPTOPHTHALMOS WITH OTHER MALFORMATIONS. Identifiers: Orphanet 2052, MedGen C4551480, MONDO:0054737, OMIM 219000.
FRAS1-related disorder. Also called: FRAS1-related condition.

Allele frequency attached by ClinVar (database versions not stated): ExAC 0.00079; gnomAD exomes 0.00079 and 0.00184; TOPMed 0.00089; gnomAD 0.00094 and 0.00099; ESP Exome Variant Server 0.00099.
gnomAD v4.1: 2,768 of 1,605,448 alleles (0.17%); highest among the groups gnomAD compares: Non-Finnish European, 0.22%; 5 homozygotes.

Submissions (7):

GeneDx
Classification: Uncertain significance. Last evaluated: 2025-02-04. Review status: criteria provided, single submitter. Criteria: GeneDx Variant Classification Process June 2021. Collection method: clinical testing. Allele origin: germline. Affected: yes.
Comment: Observed with a second variant (phase unknown) in an individual with bilateral Peters' anomaly in published literature (PMID: 35170016); In silico analysis supports that this missense variant has a deleterious effect on protein structure/function; This variant is associated with the following publications: (PMID: 31308072, 35170016)

Blueprint Genetics
Classification: Uncertain significance. Last evaluated: 2024-11-23. Review status: criteria provided, single submitter. Criteria: ACMG Guidelines, 2015. Collection method: clinical testing. Allele origin: germline.

PreventionGenetics, part of Exact Sciences
Classification: Likely benign for FRAS1-related condition. Last evaluated: 2024-11-05. Review status: criteria provided, single submitter. Criteria: ACMG Guidelines, 2015. Collection method: clinical testing. Allele origin: germline.
Comment: This variant is classified as likely benign based on ACMG/AMP sequence variant interpretation guidelines (Richards et al. 2015 PMID: 25741868, with internal and published modifications).

Greenwood Genetic Center Diagnostic Laboratories, Greenwood Genetic Center
Classification: Uncertain significance. Last evaluated: 2024-09-20. Review status: criteria provided, single submitter. Criteria: ACMG Guidelines, 2015. Collection method: clinical testing. Allele origin: germline. Affected: yes.
Comment: BS1, PP3

Labcorp Genetics (formerly Invitae), Labcorp
Classification: Uncertain significance. Last evaluated: 2022-08-08. Review status: criteria provided, single submitter. Criteria: Invitae Variant Classification Sherloc (09022015). Collection method: clinical testing. Allele origin: germline.
Comment: This sequence change replaces arginine, which is basic and polar, with cysteine, which is neutral and slightly polar, at codon 1020 of the FRAS1 protein (p.Arg1020Cys). This variant is present in population databases (rs200292361, gnomAD 0.2%), and has an allele count higher than expected for a pathogenic variant. This variant has not been reported in the literature in individuals affected with FRAS1-related conditions. ClinVar contains an entry for this variant (Variation ID: 290048). Algorithms developed to predict the effect of missense changes on protein structure and function are either unavailable or do not agree on the potential impact of this missense change (SIFT: "Deleterious"; PolyPhen-2: "Possibly Damaging"; Align-GVGD: "Class C15"). In summary, the available evidence is currently insufficient to determine the role of this variant in disease. Therefore, it has been classified as a Variant of Uncertain Significance.

Illumina Laboratory Services, Illumina
Classification: Uncertain significance for Fraser syndrome 1. Last evaluated: 2018-01-12. Review status: criteria provided, single submitter. Criteria: ICSL Variant Classification Criteria 13 December 2019. Collection method: clinical testing. Allele origin: germline.

Eurofins Ntd Llc (ga)
Classification: Uncertain significance. Last evaluated: 2016-09-02. Review status: criteria provided, single submitter. Criteria: EGL Classification Definitions 2015. Collection method: clinical testing. Allele origin: germline. Observed: 1 variant allele, 1 heterozygote.